The following is an entry in ClinVar:

ClinVar aggregate classification (germline): Uncertain significance (1 of 4 stars; one submission).

Conditions:
Insulin-dependent diabetes mellitus secretory diarrhea syndrome (IPEX). Also called: Immunodysregulation, polyendocrinopathy, and enteropathy, X-linked; Immunodeficiency, Polyendocrinopathy, and Enteropathy X-Linked Syndrome; X-Linked Syndrome of Polyendocrinopathy, Immune Dysfunction, and Diarrhea; DIABETES MELLITUS, CONGENITAL INSULIN-DEPENDENT, WITH FATAL SECRETORY DIARRHEA; DIARRHEA, POLYENDOCRINOPATHY, FATAL INFECTION SYNDROME, X-LINKED; ENTEROPATHY, AUTOIMMUNE, WITH HEMOLYTIC ANEMIA AND POLYENDOCRINOPATHY. Identifiers: Orphanet 37042, MedGen C0342288, MONDO:0010580, OMIM 304790. Disease mechanism: loss of function.

Submission:

Labcorp Genetics (formerly Invitae), Labcorp
Classification: Uncertain significance for Insulin-dependent diabetes mellitus secretory diarrhea syndrome. Last evaluated: 2025-12-17. Review status: criteria provided, single submitter. Criteria: Invitae Variant Classification Sherloc (09022015). Collection method: clinical testing. Allele origin: germline.
Comment: This sequence change falls in intron 3 of the FOXP3 gene. It does not directly change the encoded amino acid sequence of the FOXP3 protein. It affects a nucleotide within the consensus splice site. This variant is not present in population databases (gnomAD no frequency). This variant has not been reported in the literature in individuals affected with FOXP3-related conditions. Variants that disrupt the consensus splice site are a relatively common cause of aberrant splicing (PMID: 17576681, 9536098). Algorithms developed to predict the effect of sequence changes on RNA splicing suggest that this variant is not likely to affect RNA splicing. In summary, the available evidence is currently insufficient to determine the role of this variant in disease. Therefore, it has been classified as a Variant of Uncertain Significance.

Literature cited by the submitters: PubMed 17576681; PubMed 9536098.

NM_014009.4(FOXP3):c.316-3C>T

Gene: FOXP3 (forkhead box P3; minus strand). Cytogenetic location: Xp11.23.
Variant type: single nucleotide variant.
Coding change: c.316-3C>T on transcript NM_014009.4 (MANE Select); 3 bases into the intron before coding-DNA position 316, C replaced by T.
Molecular consequence: intron variant.
Genome position (GRCh38, 1-based): chrX:49,257,568, G>A on the plus strand (C>T on the coding strand, the complement: FOXP3 is on the minus strand). VCF-style: chrX-49257568-G-A. GRCh37 (hg19) VCF-style: chrX-49114025-G-A.
Other names: c.211-3C>T (NM_001114377.2).
Identifiers: ClinVar variation 4752863 (VCV004752863.1).
Genomic context (GRCh38, chrX:49,257,568, plus strand): 5'-TCTCCAGGGGGTGCACCTGCAGCACAGGGGTCCGGGCGTGGGCATCCACCGTTGAGAGCT[G>A]GGGGGCACATGTGGGCTGTGGTTCAGCCTGACTCGGGGCCCCTCCCCACAGTTCTCCCAC-3'